The following is an entry in ClinVar:

NM_020919.4(ALS2):c.902T>C (p.Val301Ala)

Gene: ALS2 (alsin Rho guanine nucleotide exchange factor ALS2; minus strand). Cytogenetic location: 2q33.1.
Variant type: single nucleotide variant.
Coding change: c.902T>C on transcript NM_020919.4 (MANE Select); coding-DNA position 902, T replaced by C.
Protein change: p.Val301Ala; replaces valine 301 with alanine.
Molecular consequence: missense variant.
Genome position (GRCh38, 1-based): chr2:201,761,092, A>G on the plus strand (T>C on the coding strand, the complement: ALS2 is on the minus strand). VCF-style: chr2-201761092-A-G. GRCh37 (hg19) VCF-style: chr2-202625815-A-G.
Other names: c.902T>C, p.Val301Ala (NM_001135745.2, NM_001410975.1); short protein forms V301A.
Identifiers: ClinVar variation 3009677 (VCV003009677.3), dbSNP rs2469914446, ClinGen allele CA350327849.

ClinVar aggregate classification (germline): Uncertain significance (1 of 4 stars; one submission).

Conditions:
Infantile-onset ascending hereditary spastic paralysis (IAHSP). Also called: Infantile-Onset Ascending Hereditary Spastic Paralysis (IAHSP); Autosomal Recessive Juvenile Amyotrophic Lateral Sclerosis. Identifiers: Orphanet 293168, MedGen C2931441, MONDO:0011797, OMIM 607225. Disease mechanism: loss of function.

Submission:

Labcorp Genetics (formerly Invitae), Labcorp
Classification: Uncertain significance for Infantile-onset ascending hereditary spastic paralysis. Last evaluated: 2023-10-13. Review status: criteria provided, single submitter. Criteria: Invitae Variant Classification Sherloc (09022015). Collection method: clinical testing. Allele origin: germline.
Comment: This sequence change replaces valine, which is neutral and non-polar, with alanine, which is neutral and non-polar, at codon 301 of the ALS2 protein (p.Val301Ala). This variant is not present in population databases (gnomAD no frequency). This variant has not been reported in the literature in individuals affected with ALS2-related conditions. Algorithms developed to predict the effect of missense changes on protein structure and function output the following: SIFT: "Not Available"; PolyPhen-2: "Benign"; Align-GVGD: "Not Available". The alanine amino acid residue is found in multiple mammalian species, which suggests that this missense change does not adversely affect protein function. In summary, the available evidence is currently insufficient to determine the role of this variant in disease. Therefore, it has been classified as a Variant of Uncertain Significance.